The following is an entry in ClinVar:

NM_001453.3(FOXC1):c.719del (p.Leu240fs)

Gene: FOXC1 (forkhead box C1; plus strand). Cytogenetic location: 6p25.3.
Variant type: Deletion.
Coding change: c.719del on transcript NM_001453.3 (MANE Select); coding-DNA position 719, one base deleted (T; older notation c.719delT).
Protein change: p.Leu240fs; shifts the reading frame from leucine 240.
Molecular consequence: frameshift variant.
Genome position (GRCh38, 1-based): chr6:1,611,164, T deleted. VCF-style (leftmost placement, unchanged base first): chr6-1611163-CT-C. GRCh37 (hg19) VCF-style: chr6-1611398-CT-C.
Other names: short protein forms L240fs.
Identifiers: ClinVar variation 3775420 (VCV003775420.1).
Genomic context (GRCh38, chr6:1,611,163, plus strand): 5'-CCCGTGCGCATCCAGGACATCAAGACCGAGAACGGTACGTGCCCCTCGCCGCCCCAGCCC[CT>C]GTCCCCGGCCGCCGCCCTGGGCAGCGGCAGCGCCGCCGCGGTGCCCAAGATCGAGAGCCC-3'

ClinVar aggregate classification (germline): Likely pathogenic (1 of 4 stars; one submission).

Conditions:
Axenfeld-Rieger syndrome type 3 (RIEG3). Also called: AXENFELD-RIEGER ANOMALY WITH CARDIAC DEFECTS AND/OR SENSORINEURAL HEARING LOSS. Identifiers: Orphanet 782, MedGen C2678503, MONDO:0011233, OMIM 602482.

Submission:

3billion
Classification: Likely pathogenic for Axenfeld-Rieger syndrome type 3. Last evaluated: 2023-06-14. Review status: criteria provided, single submitter. Criteria: ACMG Guidelines, 2015. Collection method: clinical testing. Allele origin: germline. Affected: yes.
Comment: The variant is not observed in the gnomAD v2.1.1 dataset. Predicted Consequence/Location: Frameshift: predicted to result in a loss or disruption of normal protein function through protein truncation. The predicted truncated protein may be shortened by more than 10%. Functional studies provide moderate evidence of the variant having a damaging effect on the gene or gene product (PMID: 30514661). The variant has been reported to be associated with FOXC1 related disorder (PMID: 30514661). Therefore, this variant is classified as Likely pathogenic according to the recommendation of ACMG/AMP guideline.

Literature cited by the submitters: PubMed 30514661.